The following is an entry in ClinVar:

NM_182493.3(MYLK3):c.1358C>T (p.Ala453Val)

Gene: MYLK3 (myosin light chain kinase 3; minus strand). Cytogenetic location: 16q11.2.
Variant type: single nucleotide variant.
Coding change: c.1358C>T on transcript NM_182493.3 (MANE Select); coding-DNA position 1358, C replaced by T.
Protein change: p.Ala453Val; replaces alanine 453 with valine.
Molecular consequence: missense variant.
Genome position (GRCh38, 1-based): chr16:46,732,312, G>A on the plus strand (C>T on the coding strand, the complement: MYLK3 is on the minus strand). VCF-style: chr16-46732312-G-A. GRCh37 (hg19) VCF-style: chr16-46766224-G-A.
Other names: c.335C>T, p.Ala112Val (NM_001308301.1); short protein forms A453V, A112V.
Identifiers: ClinVar variation 1525263 (VCV001525263.8), dbSNP rs375127046, ClinGen allele CA8038009.

ClinVar aggregate classification (germline): Uncertain significance (1 of 4 stars; one submission).

Allele frequency attached by ClinVar (database versions not stated): gnomAD 0.00002; TOPMed 0.00002; gnomAD exomes 0.00004; ESP Exome Variant Server 0.00008.
gnomAD v4.1: 60 of 1,611,350 alleles (0.0037%); highest among the groups gnomAD compares: Middle Eastern, 0.016%; 1 homozygote.

Submission:

Labcorp Genetics (formerly Invitae), Labcorp
Classification: Uncertain significance. Last evaluated: 2026-01-14. Review status: criteria provided, single submitter. Criteria: Invitae Variant Classification Sherloc (09022015). Collection method: clinical testing. Allele origin: germline.
Comment: This sequence change replaces alanine, which is neutral and non-polar, with valine, which is neutral and non-polar, at codon 453 of the MYLK3 protein (p.Ala453Val). This variant is present in population databases (rs375127046, gnomAD 0.01%). This variant has not been reported in the literature in individuals affected with MYLK3-related conditions. ClinVar contains an entry for this variant (Variation ID: 1525263). An algorithm developed to predict the effect of missense changes on protein structure and function outputs the following: PolyPhen-2: "Benign". The valine amino acid residue is found in multiple mammalian species, which suggests that this missense change does not adversely affect protein function. In summary, the available evidence is currently insufficient to determine the role of this variant in disease. Therefore, it has been classified as a Variant of Uncertain Significance.